The following is an entry in ClinVar:

ClinVar aggregate classification (germline): Likely pathogenic. Review status: criteria provided, multiple submitters, no conflicts (2 of 4 stars). 2 submissions from 2 submitters: Likely pathogenic (2). Last evaluated 2025-08-07.

Conditions:
CFTR-related disorder (CFTR-RD). Also called: CFTR-related disorders; CFTR-related condition. Identifiers: MedGen C5924204, MONDO:7770004.
Cystic fibrosis (CF). Also called: MUCOVISCIDOSIS. Identifiers: Orphanet 586, MedGen C0010674, MONDO:0009061, OMIM 219700. Disease mechanism: loss of function.

Submissions (2):

Natera, Inc.
Classification: Likely pathogenic for CFTR-related disorders. Last evaluated: 2025-08-07. Review status: criteria provided, single submitter. Criteria: Natera Variant Classification Schema (03/2026). Collection method: clinical testing. Allele origin: germline.
Comment: The c.3874-2A>G variant in CFTR is a canonical splice acceptor site variant predicted to affect pre-mRNA splicing, which may result in an abnormal transcript and altered protein product. This variant is expected to result in nonsense mediated decay, truncation, or a dysfunctional protein product. This variant is rare in the general population with a frequency below the threshold expected for the associated phenotype(s). Given the available evidence, this variant is classified as Likely Pathogenic.

Women's Health and Genetics/Laboratory Corporation of America, LabCorp
Classification: Likely pathogenic for Cystic fibrosis. Last evaluated: 2025-04-29. Review status: criteria provided, single submitter. Criteria: LabCorp Variant Classification Summary - May 2015. Collection method: clinical testing. Allele origin: germline.
Comment: Variant summary: CFTR c.3874-2A>G is located in a canonical splice-site and is predicted to affect mRNA splicing resulting in a significantly altered protein due to either exon skipping, shortening, or inclusion of intronic material. Variants that disrupt the consensus splice site are a relatively common cause of aberrant splicing and loss of CFTR function. Several computational tools predict a significant impact on normal splicing: Four predict the variant abolishes a 3' acceptor site. However, these predictions have yet to be confirmed by functional studies. The variant was absent in 245646 control chromosomes. c.3874-2A>G has been observed in individuals affected with Cystic Fibrosis including as a homozygous or non-informative genotype (e.g. Petrova_2020, Shafiq_2021). These data indicate that the variant may be associated with disease. To our knowledge, no experimental evidence demonstrating an impact on protein function has been reported. The following publications have been ascertained in the context of this evaluation (PMID: 32429104, 35110243). ClinVar contains an entry for this variant (Variation ID: 495937). Based on the evidence outlined above, the variant was classified as likely pathogenic.

Literature cited by the submitters: PubMed 32429104 (cited by Women's Health and Genetics/Laboratory Corporation of America, LabCorp); PubMed 35110243 (cited by Women's Health and Genetics/Laboratory Corporation of America, LabCorp).

NM_000492.4(CFTR):c.3874-2A>G

Gene: CFTR (CF transmembrane conductance regulator; plus strand). Cytogenetic location: 7q31.2.
Variant type: single nucleotide variant.
Coding change: c.3874-2A>G on transcript NM_000492.4 (MANE Select); the canonical splice acceptor site of the intron before coding-DNA position 3874, A replaced by G.
Molecular consequence: splice acceptor variant.
Genome position (GRCh38, 1-based): chr7:117,652,840, A>G. VCF-style: chr7-117652840-A-G. GRCh37 (hg19) VCF-style: chr7-117292894-A-G.
Identifiers: ClinVar variation 495937 (VCV000495937.4), dbSNP rs1554396384, ClinGen allele CA368977804.
Genomic context (GRCh38, chr7:117,652,840, plus strand): 5'-GGGAAAAATAAAAAGTTATTTAAGTTATTCATACTTTCTTCTTCTTTTCTTTTTTGCTAT[A>G]GAAAGTATTTATTTTTTCTGGAACATTTAGAAAAAACTTGGATCCCTATGAACAGTGGAG-3'